The following is an entry in ClinVar:

ClinVar aggregate classification (germline): Likely pathogenic (1 of 4 stars; one submission).

Conditions:
Monogenic hearing loss.

Submission:

Genetics Laboratory, Great Ormond Street Hospital NHS Foundation Trust, North Thames Genomic Laboratory Hub
Classification: Likely pathogenic for Monogenic hearing loss. Last evaluated: 2025-07-31. Review status: criteria provided, single submitter. Criteria: ACGS Best Practice Guidelines for Variant Classification in Rare Disease 2024 v1.2. Collection method: clinical testing. Allele origin: germline. Affected: yes.
Comment: PS4_supporting, PM2_moderate, PP3_supporting, PP1_strong

NM_002700.3(POU4F3):c.932T>C (p.Leu311Pro)

Genes: POU4F3 (POU class 4 homeobox 3; plus strand), RBM27-POU4F3 (RBM27-POU4F3 readthrough; plus strand). Cytogenetic location: 5q32.
Variant type: single nucleotide variant.
Coding change: c.932T>C on transcript NM_002700.3 (MANE Select); coding-DNA position 932, T replaced by C.
Protein change: p.Leu311Pro; replaces leucine 311 with proline.
Molecular consequence: missense variant. On other transcripts: 3 prime UTR variant (1).
Genome position (GRCh38, 1-based): chr5:146,340,359, T>C. VCF-style: chr5-146340359-T-C. GRCh37 (hg19) VCF-style: chr5-145719922-T-C.
Other names: c.*801T>C (NM_001414499.1); short protein forms L311P.
Identifiers: ClinVar variation 4087746 (VCV004087746.1).